The following is an entry in ClinVar:

NM_001371596.2(MFSD8):c.554-2A>T

Gene: MFSD8 (major facilitator superfamily domain containing 8; minus strand). Cytogenetic location: 4q28.2.
Variant type: single nucleotide variant.
Coding change: c.554-2A>T on transcript NM_001371596.2 (MANE Select); the canonical splice acceptor site of the intron before coding-DNA position 554, A replaced by T.
Molecular consequence: splice acceptor variant. On other transcripts: intron variant (5).
Genome position (GRCh38, 1-based): chr4:127,939,999, T>A on the plus strand (A>T on the coding strand, the complement: MFSD8 is on the minus strand). VCF-style: chr4-127939999-T-A. GRCh37 (hg19) VCF-style: chr4-128861154-T-A.
Other names: c.419-1163A>T (NM_001371595.1); c.304+3753A>T (NM_001410765.1); c.419-2A>T (NM_001371590.2); c.554-2A>T (NM_152778.4, NM_001371591.2); c.439+3753A>T (NM_001363521.3); c.440-2A>T (NM_001410766.1, NM_001371593.2); c.553+2046A>T (NM_001363520.3); c.554-1163A>T (NM_001371594.2); and 1 more.
Identifiers: ClinVar variation 590009 (VCV000590009.7), dbSNP rs1560747815, ClinGen allele CA358175613.

ClinVar aggregate classification (germline): Likely pathogenic (1 of 4 stars; one submission).

Conditions:
Inborn genetic diseases. Identifiers: MedGen C0950123, MeSH D030342.

Submission:

Ambry Genetics
Classification: Likely pathogenic for Inborn genetic diseases. Last evaluated: 2016-12-30. Review status: criteria provided, single submitter. Criteria: Ambry Variant Classification Scheme 2023. Collection method: clinical testing. Allele origin: germline.
Comment: The c.554-2A>T intronic variant results from an A to T substitution two nucleotides upstream from coding exon 6 in the MFSD8 gene. This nucleotide position is highly conserved in available vertebrate species. Both he BDGP and ESEfinder in silico models do not produce a reliable prediction for the nearby native splice acceptor site. Using the Human Splicing Finder (HSF) splice site prediction tool, this alteration is predicted to weaken the native splice acceptor site; however, direct evidence is unavailable (Desmet FO et al. Nucleic Acids Res. 2009 May;37(9):e67). Alterations that disrupt the canonical splice site are expected to cause aberrant splicing, resulting in an abnormal protein or a transcript that is subject to nonsense-mediated mRNA decay. As such, this alteration is classified as likely pathogenic.